The following is an entry in ClinVar:

ClinVar aggregate classification (germline): Uncertain significance (1 of 4 stars; one submission).

Conditions:
Cardiovascular phenotype. Identifiers: MedGen CN230736.

Submission:

Ambry Genetics
Classification: Uncertain significance for Cardiovascular phenotype. Last evaluated: 2023-10-15. Review status: criteria provided, single submitter. Criteria: Ambry Variant Classification Scheme 2023. Collection method: clinical testing. Allele origin: germline.
Comment: The p.P1962S variant (also known as c.5884C>T), located in coding exon 38 of the ANK2 gene, results from a C to T substitution at nucleotide position 5884. The proline at codon 1962 is replaced by serine, an amino acid with similar properties. This amino acid position is conserved. In addition, this alteration is predicted to be tolerated by in silico analysis. Since supporting evidence is limited at this time, the clinical significance of this alteration remains unclear.

NM_001148.6(ANK2):c.5884C>T (p.Pro1962Ser)

Genes: ANK2 (ankyrin 2; plus strand), LOC126807136 (MED14-independent group 3 enhancer GRCh37_chr4:114274931-114276130; plus strand). Cytogenetic location: 4q26.
Variant type: single nucleotide variant.
Coding change: c.5884C>T on transcript NM_001148.6 (MANE Select); coding-DNA position 5884, C replaced by T.
Protein change: p.Pro1962Ser; replaces proline 1962 with serine.
Molecular consequence: missense variant. On other transcripts: intron variant (68).
Genome position (GRCh38, 1-based): chr4:113,354,502, C>T. VCF-style: chr4-113354502-C-T. GRCh37 (hg19) VCF-style: chr4-114275658-C-T.
Other names: c.5650C>T, p.Pro1884Ser (NM_001386142.1); c.2284C>T, p.Pro762Ser (NM_001386166.1); c.6025C>T, p.Pro2009Ser (NM_001386174.1); c.6001C>T, p.Pro2001Ser (NM_001386175.1); c.4411+4253C>T (NM_001386186.2, NM_001386148.2); c.4213+4253C>T (NM_001354269.3); c.4291+4253C>T (NM_001386187.2); c.4252+4253C>T (NM_001386147.1); and 35 more; short protein forms P1884S, P1962S, P2001S, P2009S, P762S.
Identifiers: ClinVar variation 3220987 (VCV003220987.1), dbSNP rs2505458790, ClinGen allele CA357921597.